The following is an entry in ClinVar:

NM_002880.4(RAF1):c.835-377G>T

Gene: RAF1 (Raf-1 proto-oncogene, serine/threonine kinase; minus strand). Cytogenetic location: 3p25.2.
Variant type: single nucleotide variant.
Coding change: c.835-377G>T on transcript NM_002880.4 (MANE Select); 377 bases into the intron before coding-DNA position 835, G replaced by T.
Molecular consequence: intron variant.
Genome position (GRCh38, 1-based): chr3:12,600,792, C>A on the plus strand (G>T on the coding strand, the complement: RAF1 is on the minus strand). VCF-style: chr3-12600792-C-A. GRCh37 (hg19) VCF-style: chr3-12642291-C-A.
Other names: c.493-377G>T (NM_001354695.3); c.592-377G>T (NM_001354692.3, NM_001354691.3); c.652-377G>T (NM_001354694.3); c.736-377G>T (NM_001354693.3); c.895-377G>T (NM_001354689.3); c.835-377G>T (NM_001354690.3).
Identifiers: ClinVar variation 1711565 (VCV001711565.30), dbSNP rs552541533, ClinGen allele CA69617293.
Genomic context (GRCh38, chr3:12,600,792, plus strand): 5'-TTGCATTTTTAGTAGAGACAGGGCTTCGCCATGTTGGCCAGGCTCGTCTTGAACTCCTGA[C>A]CTGAGGTGATCCTCTCGCCTCGGCCTCCCAAAGTGCTGGGATTACAGGCGTGAGCCACCG-3'

ClinVar aggregate classification (germline): Benign (1 of 4 stars; one submission).

Allele frequency attached by ClinVar (database versions not stated): TOPMed 0.00008; gnomAD 0.00014; 1000 Genomes Project 0.00100; 1000 Genomes Project 30x 0.00109.
gnomAD v4.1: 21 of 152,322 alleles (0.014%); highest among the groups gnomAD compares: East Asian, 0.41%; no homozygotes.

Submission:

CeGaT Center for Human Genetics Tuebingen
Classification: Benign. Last evaluated: 2022-08-01. Review status: criteria provided, single submitter. Criteria: CeGaT Center For Human Genetics Tuebingen Variant Classification Criteria Version 2. Collection method: clinical testing. Allele origin: germline. Affected: yes. Observed: 1 variant allele.
Comment: RAF1: BS1, BS2